The following is an entry in ClinVar:

ClinVar aggregate classification (germline): Uncertain significance (1 of 4 stars; one submission).

Submission:

Labcorp Genetics (formerly Invitae), Labcorp
Classification: Uncertain significance. Last evaluated: 2024-07-10. Review status: criteria provided, single submitter. Criteria: Invitae Variant Classification Sherloc (09022015). Collection method: clinical testing. Allele origin: germline.
Comment: This sequence change replaces methionine, which is neutral and non-polar, with valine, which is neutral and non-polar, at codon 54 of the KLHDC8B protein (p.Met54Val). This variant is present in population databases (rs529664748, gnomAD 0.1%), and has an allele count higher than expected for a pathogenic variant. This variant has not been reported in the literature in individuals affected with KLHDC8B-related conditions. An algorithm developed to predict the effect of missense changes on protein structure and function outputs the following: PolyPhen-2: "Benign". The valine amino acid residue is found in multiple mammalian species, which suggests that this missense change does not adversely affect protein function. In summary, the available evidence is currently insufficient to determine the role of this variant in disease. Therefore, it has been classified as a Variant of Uncertain Significance.

NM_173546.3(KLHDC8B):c.160A>G (p.Met54Val)

Gene: KLHDC8B (kelch domain containing 8B; plus strand). Cytogenetic location: 3p21.31.
Variant type: single nucleotide variant.
Coding change: c.160A>G on transcript NM_173546.3 (MANE Select); coding-DNA position 160, A replaced by G.
Protein change: p.Met54Val; replaces methionine 54 with valine.
Molecular consequence: missense variant.
Genome position (GRCh38, 1-based): chr3:49,172,929, A>G. VCF-style: chr3-49172929-A-G. GRCh37 (hg19) VCF-style: chr3-49210362-A-G.
Other names: short protein forms M54V.
Identifiers: ClinVar variation 3664616 (VCV003664616.2).